The following is an entry in ClinVar:

NM_016734.3(PAX5):c.710T>G (p.Leu237Arg)

Gene: PAX5 (paired box 5; minus strand). Cytogenetic location: 9p13.2.
Variant type: single nucleotide variant.
Coding change: c.710T>G on transcript NM_016734.3 (MANE Select); coding-DNA position 710, T replaced by G.
Protein change: p.Leu237Arg; replaces leucine 237 with arginine.
Molecular consequence: missense variant. On other transcripts: non-coding transcript variant (2).
Genome position (GRCh38, 1-based): chr9:36,966,619, A>C on the plus strand (T>G on the coding strand, the complement: PAX5 is on the minus strand). VCF-style: chr9-36966619-A-C. GRCh37 (hg19) VCF-style: chr9-36966616-A-C.
Other names: c.710T>G, p.Leu237Arg (NM_001280547.2, NM_001280548.2, NM_001280549.2 and 2 more transcripts); c.386T>G, p.Leu129Arg (NM_001280551.2, NM_001280556.2); c.581T>G, p.Leu194Arg (NM_001280553.2, NM_001280554.2); c.512T>G, p.Leu171Arg (NM_001280555.2); short protein forms L194R, L129R, L171R, L237R.
Identifiers: ClinVar variation 4843872 (VCV004843872.1).
Genomic context (GRCh38, chr9:36,966,619, plus strand): 5'-TTGATGGGCTCTGTGGTGGTGAAGATGTCTGAGTAGTGCTGCCTCTCAAACACGCGGTCC[A>C]GCACCTCCAGCTGCTGCTGTGTGAACAAGTCTCCCCGCATCTGCTTCCGGAGGAAGTCTC-3'
Protein context (NP_057953.1, residues 227-247): DLFTQQQLEV[Leu237Arg]DRVFERQHYS

ClinVar aggregate classification (germline): Uncertain significance (1 of 4 stars; one submission).

Conditions:
Inborn genetic diseases. Identifiers: MedGen C0950123, MeSH D030342.

Submission:

Ambry Genetics
Classification: Uncertain significance for Inborn genetic diseases. Last evaluated: 2025-12-16. Review status: criteria provided, single submitter. Criteria: Ambry Variant Classification Scheme 2023. Collection method: clinical testing. Allele origin: germline.
Comment: The p.L237R variant (also known as c.710T>G), located in coding exon 6 of the PAX5 gene, results from a T to G substitution at nucleotide position 710. The leucine at codon 237 is replaced by arginine, an amino acid with dissimilar properties. This amino acid position is conserved. In addition, this alteration is predicted to be deleterious by in silico analysis. Based on the available evidence, the clinical significance of this variant remains unclear.